The following is an entry in ClinVar:

NM_001613.4(ACTA2):c.13G>A (p.Glu5Lys)

Gene: ACTA2 (actin alpha 2, smooth muscle; minus strand). Cytogenetic location: 10q23.31.
Variant type: single nucleotide variant.
Coding change: c.13G>A on transcript NM_001613.4 (MANE Select); coding-DNA position 13, G replaced by A.
Protein change: p.Glu5Lys; replaces glutamic acid 5 with lysine.
Molecular consequence: missense variant.
Genome position (GRCh38, 1-based): chr10:88,948,918, C>T on the plus strand (G>A on the coding strand, the complement: ACTA2 is on the minus strand). VCF-style: chr10-88948918-C-T. GRCh37 (hg19) VCF-style: chr10-90708675-C-T.
Other names: c.13G>A, p.Glu5Lys (NM_001141945.3, NM_001320855.2, NM_001406462.1 and 7 more transcripts); short protein forms E5K.
Identifiers: ClinVar variation 2774847 (VCV002774847.3), dbSNP rs886047453, ClinGen allele CA377513832.
Genomic context (GRCh38, chr10:88,948,918, plus strand): 5'-CAGCAAAGCCGGCCTTACAGAGCCCAGAGCCATTGTCACACACCAAGGCAGTGCTGTCCT[C>T]TTCTTCACACATAGCTGGAGCTGCTTCACAGGATTCTATAGAAAACAGGGAGGAAGCAGC-3'
Protein context (NP_001604.1, residues 1-15): MCEE[Glu5Lys]DSTALVCDNG

ClinVar aggregate classification (germline): Uncertain significance. Review status: criteria provided, multiple submitters, no conflicts (2 of 4 stars). 2 submissions from 2 submitters: Uncertain significance (2). Last evaluated 2024-04-25.

Conditions:
Familial thoracic aortic aneurysm and aortic dissection (TAAD). Also called: Thoracic aortic aneurysms and dissections. Identifiers: Orphanet 91387, MedGen C4707243, MONDO:0019625.

gnomAD v4.1: 1 of 1,613,856 alleles (0.000062%); highest among the groups gnomAD compares: Admixed American, 0.0017%; no homozygotes.

Submissions (2):

All of Us Research Program, National Institutes of Health
Classification: Uncertain significance for Familial thoracic aortic aneurysm and aortic dissection. Last evaluated: 2024-04-25. Review status: criteria provided, single submitter. Criteria: ACMG Guidelines, 2015. Collection method: clinical testing. Allele origin: germline. Inheritance: Autosomal dominant inheritance. Observed: 1 variant allele, 1 heterozygote.
Comment: This missense variant replaces glutamic acid with lysine at codon 5 of the ACTA2 protein. Computational prediction suggests that this variant may have deleterious impact on protein structure and function (internally defined REVEL score threshold >= 0.7, PMID: 27666373). To our knowledge, functional studies have not been reported for this variant. This variant has not been reported in individuals affected with cardiovascular disorders in the literature. This variant has not been identified in the general population by the Genome Aggregation Database (gnomAD). The available evidence is insufficient to determine the role of this variant in disease conclusively. Therefore, this variant is classified as a Variant of Uncertain Significance.

This study involves interpretation of variants in research participants for the purpose of population health screening. Participant phenotype was not available at the time of variant classification. Additional details can be found in publication PMID: 35346344, PMCID: PMC8962531

Color Diagnostics, LLC DBA Color Health
Classification: Uncertain significance for Familial thoracic aortic aneurysm and aortic dissection. Last evaluated: 2024-03-06. Review status: criteria provided, single submitter. Criteria: ACMG Guidelines, 2015. Collection method: clinical testing. Allele origin: germline.
Comment: This missense variant replaces glutamic acid with lysine at codon 5 of the ACTA2 protein. Computational prediction suggests that this variant may have deleterious impact on protein structure and function (internally defined REVEL score threshold >= 0.7, PMID: 27666373). To our knowledge, functional studies have not been reported for this variant. This variant has not been reported in individuals affected with cardiovascular disorders in the literature. This variant has not been identified in the general population by the Genome Aggregation Database (gnomAD). The available evidence is insufficient to determine the role of this variant in disease conclusively. Therefore, this variant is classified as a Variant of Uncertain Significance.